The following is an entry in ClinVar:

ClinVar aggregate classification (germline): Uncertain significance (1 of 4 stars; one submission).

Conditions:
Dyskeratosis congenita. Identifiers: Orphanet 1775, MedGen C0265965, MONDO:0015780.

Allele frequency attached by ClinVar (database versions not stated): gnomAD exomes below 0.00001 and 0.00001.

Submission:

Labcorp Genetics (formerly Invitae), Labcorp
Classification: Uncertain significance for Dyskeratosis congenita. Last evaluated: 2019-02-27. Review status: criteria provided, single submitter. Criteria: Invitae Variant Classification Sherloc (09022015). Collection method: clinical testing. Allele origin: germline.
Comment: In summary, the available evidence is currently insufficient to determine the role of this variant in disease. Therefore, it has been classified as a Variant of Uncertain Significance. Algorithms developed to predict the effect of missense changes on protein structure and function are either unavailable or do not agree on the potential impact of this missense change (SIFT: "Deleterious"; PolyPhen-2: "Benign"; Align-GVGD: "Class C0"). This variant has not been reported in the literature in individuals with CTC1-related conditions. This variant is not present in population databases (ExAC no frequency). This sequence change replaces methionine with threonine at codon 395 of the CTC1 protein (p.Met395Thr). The methionine residue is weakly conserved and there is a moderate physicochemical difference between methionine and threonine.

NM_025099.6(CTC1):c.1184T>C (p.Met395Thr)

Gene: CTC1 (CST telomere replication complex component 1; minus strand). Cytogenetic location: 17p13.1.
Variant type: single nucleotide variant.
Coding change: c.1184T>C on transcript NM_025099.6 (MANE Select); coding-DNA position 1184, T replaced by C.
Protein change: p.Met395Thr; replaces methionine 395 with threonine.
Molecular consequence: missense variant. On other transcripts: non-coding transcript variant (1).
Genome position (GRCh38, 1-based): chr17:8,235,853, A>G on the plus strand (T>C on the coding strand, the complement: CTC1 is on the minus strand). VCF-style: chr17-8235853-A-G. GRCh37 (hg19) VCF-style: chr17-8139171-A-G.
Other names: short protein forms M395T.
Identifiers: ClinVar variation 848638 (VCV000848638.9), dbSNP rs1417486388, ClinGen allele CA397986638.
Genomic context (GRCh38, chr17:8,235,853, plus strand): 5'-AGAGGTCTCTTTTTGTTATCAGCCCTGATCTCACATACCTGCAGACACACTCCAGGTCGC[A>G]TCACCCGCCTAAGGCCACGGAACTGCTGGTAGGCAAGGCAGAGCCCCAGCTGCCCATCCA-3'
Protein context (NP_079375.3, residues 385-405): YQQFRGLRRV[Met395Thr]RPGVCLQLQD